The following is an entry in ClinVar:

NM_001365536.1(SCN9A):c.281G>A (p.Gly94Glu)

Gene: SCN9A (sodium voltage-gated channel alpha subunit 9; minus strand). Cytogenetic location: 2q24.3.
Variant type: single nucleotide variant.
Coding change: c.281G>A on transcript NM_001365536.1 (MANE Select); coding-DNA position 281, G replaced by A.
Protein change: p.Gly94Glu; replaces glycine 94 with glutamic acid.
Molecular consequence: missense variant.
Genome position (GRCh38, 1-based): chr2:166,307,052, C>T on the plus strand (G>A on the coding strand, the complement: SCN9A is on the minus strand). VCF-style: chr2-166307052-C-T. GRCh37 (hg19) VCF-style: chr2-167163562-C-T.
Other names: c.281G>A, p.Gly94Glu (NM_002977.4); short protein forms G94E.
Identifiers: ClinVar variation 2928064 (VCV002928064.3), dbSNP rs779928230, ClinGen allele CA1944835.

ClinVar aggregate classification (germline): Uncertain significance (1 of 4 stars; one submission).

Conditions:
Neuropathy, hereditary sensory and autonomic, type 2A (HSAN2A). Also called: MORVAN DISEASE; NEUROPATHY, CONGENITAL SENSORY; NEUROPATHY, HEREDITARY SENSORY RADICULAR, AUTOSOMAL RECESSIVE; NEUROPATHY, HEREDITARY SENSORY, TYPE IIA; NEUROPATHY, PROGRESSIVE SENSORY, OF CHILDREN; ACROOSTEOLYSIS, GIACCAI TYPE. Identifiers: Orphanet 970, MedGen C2752089, MONDO:0024309, OMIM 201300.
Generalized epilepsy with febrile seizures plus, type 7 (GEFSP7). Also called: GEFS+, TYPE 7. Identifiers: Orphanet 36387, MedGen C2751778, MONDO:0013470, OMIM 613863.

Allele frequency attached by ClinVar (database versions not stated): gnomAD exomes below 0.00001; ExAC 0.00001.

Submission:

Labcorp Genetics (formerly Invitae), Labcorp
Classification: Uncertain significance for Neuropathy, hereditary sensory and autonomic, type 2A; Generalized epilepsy with febrile seizures plus, type 7. Last evaluated: 2024-05-23. Review status: criteria provided, single submitter. Criteria: Invitae Variant Classification Sherloc (09022015). Collection method: clinical testing. Allele origin: germline.
Comment: This sequence change replaces glycine, which is neutral and non-polar, with glutamic acid, which is acidic and polar, at codon 94 of the SCN9A protein (p.Gly94Glu). This variant is present in population databases (rs779928230, gnomAD 0.006%). This variant has not been reported in the literature in individuals affected with SCN9A-related conditions. Advanced modeling of protein sequence and biophysical properties (such as structural, functional, and spatial information, amino acid conservation, physicochemical variation, residue mobility, and thermodynamic stability) performed at Invitae indicates that this missense variant is not expected to disrupt SCN9A protein function with a negative predictive value of 95%. In summary, the available evidence is currently insufficient to determine the role of this variant in disease. Therefore, it has been classified as a Variant of Uncertain Significance.